The following is an entry in ClinVar:

ClinVar aggregate classification (germline): Likely pathogenic (1 of 4 stars; one submission).

Submission:

Labcorp Genetics (formerly Invitae), Labcorp
Classification: Likely pathogenic. Last evaluated: 2022-09-19. Review status: criteria provided, single submitter. Criteria: Invitae Variant Classification Sherloc (09022015). Collection method: clinical testing. Allele origin: germline.
Comment: Algorithms developed to predict the effect of sequence changes on RNA splicing suggest that this variant may disrupt the consensus splice site. In summary, the currently available evidence indicates that the variant is pathogenic, but additional data are needed to prove that conclusively. Therefore, this variant has been classified as Likely Pathogenic. This variant results in the deletion of part of exon 5 (c.415-2_416del) of the CA4 gene. It is expected to disrupt RNA splicing. Variants that disrupt the donor or acceptor splice site typically lead to a loss of protein function (PMID: 16199547), and loss-of-function variants in CA4 are known to be pathogenic (PMID: 33090715). This variant is not present in population databases (gnomAD no frequency). This variant has not been reported in the literature in individuals affected with CA4-related conditions. ClinVar contains an entry for this variant (Variation ID: 1360011).

Literature cited by the submitters: PubMed 16199547; PubMed 33090715.

NM_000717.5(CA4):c.415-2_416del

Gene: CA4 (carbonic anhydrase 4; plus strand). Cytogenetic location: 17q23.1.
Variant type: Deletion.
Coding change: c.415-2_416del on transcript NM_000717.5 (MANE Select); the canonical splice acceptor site of the intron before coding-DNA position 415 through coding-DNA position 416, 4 bases deleted (AGAT; older notation c.415-2_416delAGAT).
Molecular consequence: splice acceptor variant.
Genome position (GRCh38, 1-based): chr17:60,157,688-60,157,691, AGAT deleted. VCF-style (leftmost placement, unchanged base first): chr17-60157687-CAGAT-C. GRCh37 (hg19) VCF-style: chr17-58235048-CAGAT-C.
Identifiers: ClinVar variation 1360011 (VCV001360011.6), dbSNP rs2145274818, ClinGen allele CA2573154444.